The following is an entry in ClinVar:

ClinVar aggregate classification (germline): Uncertain significance. Review status: criteria provided, multiple submitters, no conflicts (2 of 4 stars). 2 submissions from 2 submitters: Uncertain significance (2). Last evaluated 2026-05-14.

Conditions:
Cardiovascular phenotype. Identifiers: MedGen CN230736.

Allele frequency attached by ClinVar (database versions not stated): TOPMed below 0.00001; gnomAD 0.00003 and 0.00002.

Submissions (2):

Ambry Genetics
Classification: Uncertain significance for Cardiovascular phenotype. Last evaluated: 2026-05-14. Review status: criteria provided, single submitter. Criteria: Ambry Variant Classification Scheme 2023. Collection method: clinical testing. Allele origin: germline.
Comment: The p.E52K variant (also known as c.154G>A), located in coding exon 2 of the MYL3 gene, results from a G to A substitution at nucleotide position 154. The glutamic acid at codon 52 is replaced by lysine, an amino acid with similar properties. This amino acid position is conserved. In addition, this alteration is predicted to be tolerated by in silico analysis. Based on the available evidence, the clinical significance of this variant remains unclear.

GeneDx
Classification: Uncertain significance. Last evaluated: 2020-02-18. Review status: criteria provided, single submitter. Criteria: GeneDx Variant Classification Process June 2021. Collection method: clinical testing. Allele origin: germline. Affected: yes.
Comment: Not observed at a significant frequency in large population cohorts (Lek et al., 2016); In silico analysis supports that this missense variant does not alter protein structure/function; Has not been previously published as pathogenic or benign to our knowledge

NM_000258.3(MYL3):c.154G>A (p.Glu52Lys)

Gene: MYL3 (myosin light chain 3; minus strand). Cytogenetic location: 3p21.31.
Variant type: single nucleotide variant.
Coding change: c.154G>A on transcript NM_000258.3 (MANE Select); coding-DNA position 154, G replaced by A.
Protein change: p.Glu52Lys; replaces glutamic acid 52 with lysine.
Molecular consequence: missense variant.
Genome position (GRCh38, 1-based): chr3:46,860,963, C>T on the plus strand (G>A on the coding strand, the complement: MYL3 is on the minus strand). VCF-style: chr3-46860963-C-T. GRCh37 (hg19) VCF-style: chr3-46902453-C-T.
Other names: short protein forms E52K.
Identifiers: ClinVar variation 1313572 (VCV001313572.3), dbSNP rs1355038672, ClinGen allele CA352498782.